The following is an entry in ClinVar:

ClinVar aggregate classification (germline): Pathogenic (1 of 4 stars; one submission).

Conditions:
Neurodevelopmental disorder with hypotonia, stereotypic hand movements, and impaired language. Also called: Intellectual disability, autosomal dominant 20. Identifiers: Orphanet 228384, Orphanet 664410, MedGen C3150700, MONDO:0013266, OMIM 613443.

Submission:

Labcorp Genetics (formerly Invitae), Labcorp
Classification: Pathogenic for Neurodevelopmental disorder with hypotonia, stereotypic hand movements, and impaired language. Last evaluated: 2023-03-03. Review status: criteria provided, single submitter. Criteria: Invitae Variant Classification Sherloc (09022015). Collection method: clinical testing. Allele origin: germline.
Comment: This variant is a gross deletion of the genomic region encompassing exon(s) 2-3 of the MEF2C gene, which includes the initiator codon. This deletion extends beyond the assayed region for this gene and therefore may encompass additional genes. It is expected to result in an absent or disrupted protein product. Loss-of-function variants in MEF2C are known to be pathogenic (PMID: 20513142). This variant has not been reported in the literature in individuals affected with MEF2C-related conditions. For these reasons, this variant has been classified as Pathogenic.

Literature cited by the submitters: PubMed 20513142.

NC_000005.9:g.(?_88100395)_(88119605_?)del

Gene: MEF2C (myocyte enhancer factor 2C; minus strand). Cytogenetic location: 5q14.3.
Variant type: Deletion.
Identifiers: ClinVar variation 2424429 (VCV002424429.3).